The following is an entry in ClinVar:

NM_000219.6(KCNE1):c.112A>G (p.Ser38Gly)

Gene: KCNE1 (potassium voltage-gated channel subfamily E regulatory subunit 1; minus strand). Cytogenetic location: 21q22.12.
Variant type: single nucleotide variant.
Coding change: c.112A>G on transcript NM_000219.6 (MANE Select); coding-DNA position 112, A replaced by G.
Protein change: p.Ser38Gly; replaces serine 38 with glycine.
Molecular consequence: missense variant.
Genome position (GRCh38, 1-based): chr21:34,449,523, T>C on the plus strand (A>G on the coding strand, the complement: KCNE1 is on the minus strand). VCF-style: chr21-34449523-T-C. GRCh37 (hg19) VCF-style: chr21-35821821-T-C.
Other names: p.S38G:AGT>GGT; c.112A>G (LRG_290t1); c.112A>G, p.Ser38Gly (NM_001127668.4, NM_001127669.4, NM_001127670.4 and 4 more transcripts); short protein forms S38G.
Identifiers: ClinVar variation 132651 (VCV000132651.54), dbSNP rs1805127, ClinGen allele CA131330.

ClinVar aggregate classification (germline): Benign. Review status: criteria provided, multiple submitters, no conflicts (2 of 4 stars). 21 submissions from 19 submitters: Benign (16). 5 of the submissions do not count toward it. Last evaluated 2026-02-04.

Conditions:
Noise induced hearing loss. Identifiers: MedGen C0018781, MONDO:0013098.
Cardiovascular phenotype. Identifiers: MedGen CN230736.
Long QT syndrome (LQTS). Identifiers: MedGen C0023976, MeSH D008133, MONDO:0002442. Disease mechanism: loss of function. Inheritance: Various modes of inheritance.
Long QT syndrome 5 (LQT5). Identifiers: Orphanet 101016, Orphanet 768, MedGen C1867904, MONDO:0013372, OMIM 613695.
Jervell and Lange-Nielsen syndrome 2 (JLNS2). Identifiers: Orphanet 768, Orphanet 90647, MedGen C2676723, MONDO:0012871, OMIM 612347.

Allele frequency attached by ClinVar (database versions not stated): gnomAD 0.00019 and 0.00021; gnomAD exomes 0.64284; ExAC 0.64771; ESP Exome Variant Server 0.66193; 1000 Genomes Project 0.67392.

Submissions (21):

Labcorp Genetics (formerly Invitae), Labcorp
Classification: Benign for Long QT syndrome. Last evaluated: 2026-02-04. Review status: criteria provided, single submitter. Criteria: Invitae Variant Classification Sherloc (09022015). Collection method: clinical testing. Allele origin: germline.

ARUP Laboratories, Molecular Genetics and Genomics, ARUP Laboratories
Classification: Benign. Last evaluated: 2025-07-28. Review status: criteria provided, single submitter. Criteria: ARUP Molecular Germline Variant Investigation Process 2024. Collection method: clinical testing. Allele origin: germline.

Molecular Diagnostic Laboratory for Inherited Cardiovascular Disease, Montreal Heart Institute
Classification: Benign. Last evaluated: 2025-04-08. Review status: criteria provided, single submitter. Criteria: ACMG Guidelines, 2015. Collection method: clinical testing. Allele origin: germline. Affected: no.
Comment: BA1

Blueprint Genetics
Classification: Benign. Last evaluated: 2024-11-28. Review status: criteria provided, single submitter. Criteria: ACMG Guidelines, 2015. Collection method: clinical testing. Allele origin: germline.

Genome-Nilou Lab
Classification: Benign for Jervell and Lange-Nielsen syndrome 2. Last evaluated: 2021-08-19. Review status: criteria provided, single submitter. Criteria: ACMG Guidelines, 2015. Collection method: clinical testing. Allele origin: germline. Affected: no.

Genome-Nilou Lab
Classification: Benign for Long QT syndrome 5. Last evaluated: 2021-08-19. Review status: criteria provided, single submitter. Criteria: ACMG Guidelines, 2015. Collection method: clinical testing. Allele origin: germline. Affected: no.

Mayo Clinic Laboratories, Mayo Clinic
Classification: Benign. Last evaluated: 2020-07-20. Review status: criteria provided, single submitter. Criteria: ACMG Guidelines, 2015. Collection method: clinical testing. Allele origin: germline. Observed: 1,070 variant alleles.

Illumina Laboratory Services, Illumina
Classification: Benign for Long QT syndrome 5. Last evaluated: 2017-04-27. Review status: criteria provided, single submitter. Criteria: ICSL Variant Classification Criteria 13 December 2019. Collection method: clinical testing. Allele origin: germline.
Comment: This variant was observed as part of a predisposition screen in an ostensibly healthy population. A literature search was performed for the gene, cDNA change, and amino acid change (where applicable). No publications were found based on this search. Allele frequency data from public databases was too high to be consistent with this variant causing disease. Therefore, this variant is classified as benign.

Illumina Laboratory Services, Illumina
Classification: Benign for Jervell and Lange-Nielsen syndrome 2. Last evaluated: 2017-04-27. Review status: criteria provided, single submitter. Criteria: ICSL Variant Classification Criteria 13 December 2019. Collection method: clinical testing. Allele origin: germline.
Comment: the same text as in the submission from Illumina Laboratory Services, Illumina above.

Ambry Genetics
Classification: Benign for Cardiovascular phenotype. Last evaluated: 2015-03-09. Review status: criteria provided, single submitter. Criteria: Ambry Variant Classification Scheme 2023. Collection method: clinical testing. Allele origin: germline.

Eurofins Ntd Llc (ga)
Classification: Benign. Last evaluated: 2014-06-11. Review status: criteria provided, single submitter. Criteria: EGL Classification Definitions 2015. Collection method: clinical testing. Allele origin: germline. Observed: 1 variant allele, 1 heterozygote.

Biesecker Lab/Clinical Genomics Section, National Institutes of Health
Classification: Benign for noise-induced hearing loss, susceptibility to. Last evaluated: 2013-06-24. Review status: criteria provided, single submitter. Criteria: Ng et al. (Circ Cardiovasc Genet. 2013). Collection method: research. Allele origin: unknown. Observed: 752 variant alleles. Study: ClinSeq.
Comment: The study set was not selected for affection status in relation to any cancer. Pathogenicity categories were based on literature curation. See Pubmed ID:23861362 for details.

Medical sequencing

GeneDx
Classification: Benign. Last evaluated: 2013-04-08. Review status: criteria provided, single submitter. Criteria: GeneDx Variant Classification (06012015). Collection method: clinical testing. Allele origin: germline. Affected: yes.
Comment: This variant is considered likely benign or benign based on one or more of the following criteria: it is a conservative change, it occurs at a poorly conserved position in the protein, it is predicted to be benign by multiple in silico algorithms, and/or has population frequency not consistent with disease.

Laboratory for Molecular Medicine, Mass General Brigham Personalized Medicine
Classification: Benign. Last evaluated: 2012-05-07. Review status: criteria provided, single submitter. Criteria: LMM Criteria. Collection method: clinical testing. Allele origin: germline. Observed: 1,485 variant alleles.
Comment: Ser38Gly in Exon 03 of KCNE1: This variant is not expected to have clinical sign ificance because it has been identified in 37.2% (2612/7020) of European America n chromosomes from a broad population by the NHLBI Exome Sequencing Project (dbSNP rs1805127).

Breakthrough Genomics
Classification: Benign. Review status: criteria provided, single submitter. Criteria: ACMG Guidelines, 2015. Collection method: not provided. Allele origin: germline. Inheritance: Autosomal recessive inheritance. Affected: yes.

PreventionGenetics, part of Exact Sciences
Classification: Benign. Review status: criteria provided, single submitter. Criteria: ACMG Guidelines, 2015. Collection method: clinical testing. Allele origin: germline.

Cardiovascular Biomedical Research Unit, Royal Brompton & Harefield NHS Foundation Trust
No classification provided. Review status: no classification provided. Collection method: literature only. Allele origin: germline. Not counted in ClinVar's aggregate classification.
Comment: This variant has been reported in the following publications (PMID:18426444;PMID:17597962;PMID:12402336;PMID:14760488;PMID:16487223;PMID:17210839;PMID:9445165;PMID:7828904;PMID:15599693;PMID:17161064;PMID:14661677).

Clinical Genetics DNA and cytogenetics Diagnostics Lab, Erasmus MC, Erasmus Medical Center
Classification: Benign. Review status: no assertion criteria provided. Collection method: clinical testing. Allele origin: germline. Affected: yes. Study: VKGL Data-share Consensus. Not counted in ClinVar's aggregate classification.

Clinical Genetics, Academic Medical Center
Classification: Benign. Review status: no assertion criteria provided. Collection method: clinical testing. Allele origin: germline. Affected: yes. Study: VKGL Data-share Consensus. Not counted in ClinVar's aggregate classification.

Diagnostic Laboratory, Department of Genetics, University Medical Center Groningen
Classification: Benign. Review status: no assertion criteria provided. Collection method: clinical testing. Allele origin: germline. Affected: yes. Study: VKGL Data-share Consensus. Not counted in ClinVar's aggregate classification.

Joint Genome Diagnostic Labs from Nijmegen and Maastricht, Radboudumc and MUMC+
Classification: Benign. Review status: no assertion criteria provided. Collection method: clinical testing. Allele origin: germline. Affected: yes. Study: VKGL Data-share Consensus. Not counted in ClinVar's aggregate classification.

Literature cited by the submitters: PubMed 18426444 (cited by Cardiovascular Biomedical Research Unit, Royal Brompton & Harefield NHS Foundation Trust); PubMed 17597962 (cited by Cardiovascular Biomedical Research Unit, Royal Brompton & Harefield NHS Foundation Trust); PubMed 12402336 (cited by Cardiovascular Biomedical Research Unit, Royal Brompton & Harefield NHS Foundation Trust); PubMed 14760488 (cited by Cardiovascular Biomedical Research Unit, Royal Brompton & Harefield NHS Foundation Trust); PubMed 16487223 (cited by Cardiovascular Biomedical Research Unit, Royal Brompton & Harefield NHS Foundation Trust); PubMed 17210839 (cited by Cardiovascular Biomedical Research Unit, Royal Brompton & Harefield NHS Foundation Trust); PubMed 9445165 (cited by Cardiovascular Biomedical Research Unit, Royal Brompton & Harefield NHS Foundation Trust); PubMed 7828904 (cited by Cardiovascular Biomedical Research Unit, Royal Brompton & Harefield NHS Foundation Trust); PubMed 15599693 (cited by Cardiovascular Biomedical Research Unit, Royal Brompton & Harefield NHS Foundation Trust); PubMed 17161064 (cited by Cardiovascular Biomedical Research Unit, Royal Brompton & Harefield NHS Foundation Trust); PubMed 14661677 (cited by Cardiovascular Biomedical Research Unit, Royal Brompton & Harefield NHS Foundation Trust); PubMed 22581653 (cited by Cardiovascular Biomedical Research Unit, Royal Brompton & Harefield NHS Foundation Trust).